The following is an entry in ClinVar:

NM_001365536.1(SCN9A):c.83C>T (p.Ala28Val)

Gene: SCN9A (sodium voltage-gated channel alpha subunit 9; minus strand). Cytogenetic location: 2q24.3.
Variant type: single nucleotide variant.
Coding change: c.83C>T on transcript NM_001365536.1 (MANE Select); coding-DNA position 83, C replaced by T.
Protein change: p.Ala28Val; replaces alanine 28 with valine.
Molecular consequence: missense variant.
Genome position (GRCh38, 1-based): chr2:166,311,674, G>A on the plus strand (C>T on the coding strand, the complement: SCN9A is on the minus strand). VCF-style: chr2-166311674-G-A. GRCh37 (hg19) VCF-style: chr2-167168184-G-A.
Other names: c.83C>T, p.Ala28Val (NM_002977.4); short protein forms A28V.
Identifiers: ClinVar variation 3750834 (VCV003750834.2).

ClinVar aggregate classification (germline): Uncertain significance (1 of 4 stars; one submission).

Conditions:
Neuropathy, hereditary sensory and autonomic, type 2A (HSAN2A). Also called: MORVAN DISEASE; NEUROPATHY, CONGENITAL SENSORY; NEUROPATHY, HEREDITARY SENSORY RADICULAR, AUTOSOMAL RECESSIVE; NEUROPATHY, HEREDITARY SENSORY, TYPE IIA; NEUROPATHY, PROGRESSIVE SENSORY, OF CHILDREN; ACROOSTEOLYSIS, GIACCAI TYPE. Identifiers: Orphanet 970, MedGen C2752089, MONDO:0024309, OMIM 201300.
Generalized epilepsy with febrile seizures plus, type 7 (GEFSP7). Also called: GEFS+, TYPE 7. Identifiers: Orphanet 36387, MedGen C2751778, MONDO:0013470, OMIM 613863.

gnomAD v4.1: 1 of 1,613,152 alleles (0.000062%); highest among the groups gnomAD compares: African/African-American, 0.0013%; no homozygotes.

Submission:

Labcorp Genetics (formerly Invitae), Labcorp
Classification: Uncertain significance for Neuropathy, hereditary sensory and autonomic, type 2A; Generalized epilepsy with febrile seizures plus, type 7. Last evaluated: 2025-12-26. Review status: criteria provided, single submitter. Criteria: Invitae Variant Classification Sherloc (09022015). Collection method: clinical testing. Allele origin: germline.
Comment: This sequence change replaces alanine, which is neutral and non-polar, with valine, which is neutral and non-polar, at codon 28 of the SCN9A protein (p.Ala28Val). This variant is not present in population databases (gnomAD no frequency). This variant has not been reported in the literature in individuals affected with SCN9A-related conditions. ClinVar contains an entry for this variant (Variation ID: 3750834). Invitae Evidence Modeling of protein sequence and biophysical properties (such as structural, functional, and spatial information, amino acid conservation, physicochemical variation, residue mobility, and thermodynamic stability) has been performed for this missense variant. However, the output from this modeling did not meet the statistical confidence thresholds required to predict the impact of this variant on SCN9A protein function. In summary, the available evidence is currently insufficient to determine the role of this variant in disease. Therefore, it has been classified as a Variant of Uncertain Significance.